The following is an entry in ClinVar:

NM_015072.5(TTLL5):c.3488G>A (p.Arg1163Gln)

Gene: TTLL5 (tubulin tyrosine ligase like 5; plus strand). Cytogenetic location: 14q24.3.
Variant type: single nucleotide variant.
Coding change: c.3488G>A on transcript NM_015072.5 (MANE Select); coding-DNA position 3488, G replaced by A.
Protein change: p.Arg1163Gln; replaces arginine 1163 with glutamine.
Molecular consequence: missense variant.
Genome position (GRCh38, 1-based): chr14:75,863,828, G>A. VCF-style: chr14-75863828-G-A. GRCh37 (hg19) VCF-style: chr14-76330171-G-A.
Other names: short protein forms R1163Q.
Identifiers: ClinVar variation 1397853 (VCV001397853.7), dbSNP rs557573661, ClinGen allele CA7280019.

ClinVar aggregate classification (germline): Uncertain significance. Review status: criteria provided, multiple submitters, no conflicts (2 of 4 stars). 2 submissions from 2 submitters: Uncertain significance (2). Last evaluated 2024-11-25.

Allele frequency attached by ClinVar (database versions not stated): gnomAD 0.00002; gnomAD exomes 0.00002 and 0.00004; ExAC 0.00006; 1000 Genomes Project 30x 0.00016; 1000 Genomes Project 0.00020.
gnomAD v4.1: 34 of 1,578,934 alleles (0.0022%); highest among the groups gnomAD compares: Middle Eastern, 0.052%; no homozygotes.

Submissions (2):

Blueprint Genetics
Classification: Uncertain significance. Last evaluated: 2024-11-25. Review status: criteria provided, single submitter. Criteria: ACMG Guidelines, 2015. Collection method: clinical testing. Allele origin: germline.

Labcorp Genetics (formerly Invitae), Labcorp
Classification: Uncertain significance. Last evaluated: 2022-10-25. Review status: criteria provided, single submitter. Criteria: Invitae Variant Classification Sherloc (09022015). Collection method: clinical testing. Allele origin: germline.
Comment: This sequence change replaces arginine, which is basic and polar, with glutamine, which is neutral and polar, at codon 1163 of the TTLL5 protein (p.Arg1163Gln). This variant is present in population databases (rs557573661, gnomAD 0.02%). This variant has not been reported in the literature in individuals affected with TTLL5-related conditions. ClinVar contains an entry for this variant (Variation ID: 1397853). Advanced modeling of protein sequence and biophysical properties (such as structural, functional, and spatial information, amino acid conservation, physicochemical variation, residue mobility, and thermodynamic stability) performed at Invitae indicates that this missense variant is not expected to disrupt TTLL5 protein function. In summary, the available evidence is currently insufficient to determine the role of this variant in disease. Therefore, it has been classified as a Variant of Uncertain Significance.